The following is an entry in ClinVar:

ClinVar aggregate classification (germline): Uncertain significance. Review status: criteria provided, multiple submitters, no conflicts (2 of 4 stars). 2 submissions from 2 submitters: Uncertain significance (2). Last evaluated 2026-04-20.

Conditions:
KCNQ4-related disorder. Also called: KCNQ4-related condition.

Allele frequency attached by ClinVar (database versions not stated): gnomAD exomes 0.00001.

Submissions (2):

PreventionGenetics, part of Exact Sciences
Classification: Uncertain significance for KCNQ4-related condition. Last evaluated: 2026-04-20. Review status: criteria provided, single submitter. Criteria: ACMG Guidelines, 2015. Collection method: clinical testing. Allele origin: germline.
Comment: The KCNQ4 c.1723C>T variant is predicted to result in the amino acid substitution p.Arg575Trp. This variant was reported in an individual with hearing loss (Imizcoz et al. 2023. PubMed ID: 37811145). This variant is reported in 0.00088% of alleles in individuals of European (Non-Finnish) descent in gnomAD. At this time, the clinical significance of this variant is uncertain due to the absence of conclusive functional and genetic evidence.

Labcorp Genetics (formerly Invitae), Labcorp
Classification: Uncertain significance. Last evaluated: 2021-12-27. Review status: criteria provided, single submitter. Criteria: Invitae Variant Classification Sherloc (09022015). Collection method: clinical testing. Allele origin: germline.
Comment: This sequence change replaces arginine, which is basic and polar, with tryptophan, which is neutral and slightly polar, at codon 575 of the KCNQ4 protein (p.Arg575Trp). This variant is present in population databases (no rsID available, gnomAD 0.0009%). This variant has not been reported in the literature in individuals affected with KCNQ4-related conditions. Advanced modeling of protein sequence and biophysical properties (such as structural, functional, and spatial information, amino acid conservation, physicochemical variation, residue mobility, and thermodynamic stability) performed at Invitae indicates that this missense variant is expected to disrupt KCNQ4 protein function. In summary, the available evidence is currently insufficient to determine the role of this variant in disease. Therefore, it has been classified as a Variant of Uncertain Significance.

NM_004700.4(KCNQ4):c.1723C>T (p.Arg575Trp)

Gene: KCNQ4 (potassium voltage-gated channel subfamily Q member 4; plus strand). Cytogenetic location: 1p34.2.
Variant type: single nucleotide variant.
Coding change: c.1723C>T on transcript NM_004700.4 (MANE Select); coding-DNA position 1723, C replaced by T.
Protein change: p.Arg575Trp; replaces arginine 575 with tryptophan.
Molecular consequence: missense variant.
Genome position (GRCh38, 1-based): chr1:40,835,076, C>T. VCF-style: chr1-40835076-C-T. GRCh37 (hg19) VCF-style: chr1-41300748-C-T.
Other names: c.1561C>T, p.Arg521Trp (NM_172163.3); c.1723C>T (NM_004700.3); short protein forms R575W, R521W.
Identifiers: ClinVar variation 1947923 (VCV001947923.6), dbSNP rs1444049079, ClinGen allele CA339889163.